The following is an entry in ClinVar:

NM_144666.3(DNHD1):c.10761A>T (p.Lys3587Asn)

Gene: DNHD1 (dynein heavy chain domain 1; plus strand). Cytogenetic location: 11p15.4.
Variant type: single nucleotide variant.
Coding change: c.10761A>T on transcript NM_144666.3 (MANE Select); coding-DNA position 10761, A replaced by T.
Protein change: p.Lys3587Asn; replaces lysine 3587 with asparagine.
Molecular consequence: missense variant.
Genome position (GRCh38, 1-based): chr11:6,565,699, A>T. VCF-style: chr11-6565699-A-T. GRCh37 (hg19) VCF-style: chr11-6586929-A-T.
Other names: short protein forms K3587N.
Identifiers: ClinVar variation 2341463 (VCV002341463.3), dbSNP rs200883480, ClinGen allele CA5856534.

ClinVar aggregate classification (germline): Uncertain significance. Review status: criteria provided, multiple submitters, no conflicts (2 of 4 stars). 2 submissions from 2 submitters: Uncertain significance (2). Last evaluated 2023-06-04.

Allele frequency attached by ClinVar (database versions not stated): ExAC 0.00019; TOPMed 0.00029; gnomAD 0.00036.
gnomAD v4.1: 715 of 1,544,062 alleles (0.046%); highest among the groups gnomAD compares: Non-Finnish European, 0.058%; no homozygotes.

Submissions (2):

GeneDx
Classification: Uncertain significance. Last evaluated: 2023-06-04. Review status: criteria provided, single submitter. Criteria: GeneDx Variant Classification Process June 2021. Collection method: clinical testing. Allele origin: germline. Affected: yes.
Comment: In silico analysis supports that this missense variant does not alter protein structure/function; Has not been previously published as pathogenic or benign to our knowledge; Variants in candidate genes are classified as variants of uncertain significance in accordance with ACMG guidelines (Richards et al., 2015)

Ambry Genetics
Classification: Uncertain significance. Last evaluated: 2021-09-28. Review status: criteria provided, single submitter. Criteria: Ambry Variant Classification Scheme 2023. Collection method: clinical testing. Allele origin: germline.